The following is an entry in ClinVar:

ClinVar aggregate classification (germline): Uncertain significance (1 of 4 stars; one submission).

Conditions:
Desbuquois dysplasia 1 (DBQD1). Also called: DESBUQUOIS DYSPLASIA 1, KIM VARIANT; MICROMELIC DWARFISM WITH VERTEBRAL AND METAPHYSEAL ABNORMALITIES AND ADVANCED CARPOTARSAL OSSIFICATION. Identifiers: Orphanet 1425, MedGen C4012146, MONDO:0009629, OMIM 251450.

Submission:

Labcorp Genetics (formerly Invitae), Labcorp
Classification: Uncertain significance for Desbuquois dysplasia 1. Last evaluated: 2023-08-30. Review status: criteria provided, single submitter. Criteria: Invitae Variant Classification Sherloc (09022015). Collection method: clinical testing. Allele origin: germline.
Comment: ClinVar contains an entry for this variant (Variation ID: 1042076). This variant has not been reported in the literature in individuals affected with XYLT1-related conditions. The frequency data for this variant in the population databases is considered unreliable, as metrics indicate insufficient coverage at this position in the gnomAD database. This sequence change replaces glycine, which is neutral and non-polar, with glutamic acid, which is acidic and polar, at codon 54 of the XYLT1 protein (p.Gly54Glu). In summary, the available evidence is currently insufficient to determine the role of this variant in disease. Therefore, it has been classified as a Variant of Uncertain Significance. Advanced modeling of protein sequence and biophysical properties (such as structural, functional, and spatial information, amino acid conservation, physicochemical variation, residue mobility, and thermodynamic stability) performed at Invitae indicates that this missense variant is not expected to disrupt XYLT1 protein function.

NM_022166.4(XYLT1):c.161G>A (p.Gly54Glu)

Gene: XYLT1 (xylosyltransferase 1; minus strand). Cytogenetic location: 16p12.3.
Variant type: single nucleotide variant.
Coding change: c.161G>A on transcript NM_022166.4 (MANE Select); coding-DNA position 161, G replaced by A.
Protein change: p.Gly54Glu; replaces glycine 54 with glutamic acid.
Molecular consequence: missense variant.
Genome position (GRCh38, 1-based): chr16:17,470,636, C>T on the plus strand (G>A on the coding strand, the complement: XYLT1 is on the minus strand). VCF-style: chr16-17470636-C-T. GRCh37 (hg19) VCF-style: chr16-17564493-C-T.
Other names: short protein forms G54E.
Identifiers: ClinVar variation 1042076 (VCV001042076.4), dbSNP rs2036977208, ClinGen allele CA395220275.